The following is an entry in ClinVar:

ClinVar aggregate classification (germline): Likely benign (1 of 4 stars; one submission).

Conditions:
Congenital hyperammonemia, type I. Also called: CPS I DEFICIENCY; Carbamoyl phosphate synthetase 1 deficiency; Hyperammonemia due to carbamoyl phosphate synthetase 1 deficiency; CPS 1 deficiency; Carbamyl phosphate synthetase (CPS) deficiency; Carbamoyl phosphate synthetase I deficiency disease. Identifiers: Orphanet 147, MedGen C4082171, MONDO:0009376, OMIM 237300.

Allele frequency attached by ClinVar (database versions not stated): 1000 Genomes Project 0.00599; 1000 Genomes Project 30x 0.00671; gnomAD 0.01159 and 0.01212; TOPMed 0.01323.

Submission:

Illumina Laboratory Services, Illumina
Classification: Likely benign for Congenital hyperammonemia, type I. Last evaluated: 2018-01-13. Review status: criteria provided, single submitter. Criteria: ICSL Variant Classification Criteria 13 December 2019. Collection method: clinical testing. Allele origin: germline.
Comment: This variant was observed in the ICSL laboratory as part of a predisposition screen in an ostensibly healthy population. It had not been previously curated by ICSL or reported in the Human Gene Mutation Database (HGMD: prior to June 1st, 2018), and was therefore a candidate for classification through an automated scoring system. Utilizing variant allele frequency, disease prevalence and penetrance estimates, and inheritance mode, an automated score was calculated to assess if this variant is too frequent to cause the disease. Based on the score and internal cut-off values, a variant classified as likely benign is not then subjected to further curation. The score for this variant resulted in a classification of likely benign for this disease.

NM_001875.5(CPS1):c.*946C>T

Gene: CPS1 (carbamoyl-phosphate synthase 1; plus strand). Cytogenetic location: 2q34.
Variant type: single nucleotide variant.
Coding change: c.*946C>T on transcript NM_001875.5 (MANE Select); 946 bases downstream of the stop codon, C replaced by T.
Molecular consequence: 3 prime UTR variant. On other transcripts: non-coding transcript variant (2).
Genome position (GRCh38, 1-based): chr2:210,678,931, C>T. VCF-style: chr2-210678931-C-T. GRCh37 (hg19) VCF-style: chr2-211543655-C-T.
Other names: c.*946C>T (LRG_336t1, NM_001122633.3, NM_001369256.1 and 1 more transcripts).
Identifiers: ClinVar variation 334051 (VCV000334051.5), dbSNP rs139770263, ClinGen allele CA10614210.